The following is an entry in ClinVar:

NM_001348323.3(TRIP12):c.924C>G (p.Phe308Leu)

Gene: TRIP12 (thyroid hormone receptor interactor 12; minus strand). Cytogenetic location: 2q36.3.
Variant type: single nucleotide variant.
Coding change: c.924C>G on transcript NM_001348323.3 (MANE Select); coding-DNA position 924, C replaced by G.
Protein change: p.Phe308Leu; replaces phenylalanine 308 with leucine.
Molecular consequence: missense variant. On other transcripts: intron variant (3).
Genome position (GRCh38, 1-based): chr2:229,858,875, G>C on the plus strand (C>G on the coding strand, the complement: TRIP12 is on the minus strand). VCF-style: chr2-229858875-G-C. GRCh37 (hg19) VCF-style: chr2-230723591-G-C.
Other names: c.924C>G, p.Phe308Leu (NM_001284214.2, NM_001348315.2, NM_001348319.1 and 13 more transcripts); c.798C>G, p.Phe266Leu (NM_001284215.2, NM_001348316.2, NM_001348317.1 and 3 more transcripts); c.98+21107C>G (NM_001284216.2); c.880+44C>G (NM_001348332.1, NM_001348334.1); short protein forms F266L, F308L.
Identifiers: ClinVar variation 4527145 (VCV004527145.1).

ClinVar aggregate classification (germline): Uncertain significance (1 of 4 stars; one submission).

Submission:

GeneDx
Classification: Uncertain significance. Last evaluated: 2025-04-21. Review status: criteria provided, single submitter. Criteria: GeneDx Variant Classification Process June 2021. Collection method: clinical testing. Allele origin: germline. Affected: yes.
Comment: Not observed at significant frequency in large population cohorts (gnomAD); In silico analysis indicates that this missense variant does not alter protein structure/function; Has not been previously published as pathogenic or benign to our knowledge